The following is an entry in ClinVar:

NM_018127.7(ELAC2):c.1151A>T (p.Lys384Met)

Gene: ELAC2 (elaC ribonuclease Z 2; minus strand). Cytogenetic location: 17p12.
Variant type: single nucleotide variant.
Coding change: c.1151A>T on transcript NM_018127.7 (MANE Select); coding-DNA position 1151, A replaced by T.
Protein change: p.Lys384Met; replaces lysine 384 with methionine.
Molecular consequence: missense variant.
Genome position (GRCh38, 1-based): chr17:13,002,508, T>A on the plus strand (A>T on the coding strand, the complement: ELAC2 is on the minus strand). VCF-style: chr17-13002508-T-A. GRCh37 (hg19) VCF-style: chr17-12905825-T-A.
Other names: c.1031A>T, p.Lys344Met (NM_001165962.2); c.1151A>T, p.Lys384Met (NM_173717.2); c.1151A>T (NM_018127.6); short protein forms K384M, K344M.
Identifiers: ClinVar variation 1377743 (VCV001377743.5), dbSNP rs752533400, ClinGen allele CA8401336.

ClinVar aggregate classification (germline): Uncertain significance. Review status: criteria provided, multiple submitters, no conflicts (2 of 4 stars). 2 submissions from 2 submitters: Uncertain significance (2). Last evaluated 2025-02-18.

Conditions:
Combined oxidative phosphorylation defect type 17. Also called: Combined oxidative phosphorylation deficiency 17. Identifiers: Orphanet 369913, MedGen C3809526, MONDO:0014190, OMIM 615440.

Allele frequency attached by ClinVar (database versions not stated): ExAC 0.00004; gnomAD exomes 0.00005; TOPMed 0.00002; gnomAD 0.00001.
gnomAD v4.1: 14 of 1,606,162 alleles (0.00087%); highest among the groups gnomAD compares: Admixed American, 0.024%; no homozygotes.

Submissions (2):

GeneDx
Classification: Uncertain significance. Last evaluated: 2025-02-18. Review status: criteria provided, single submitter. Criteria: GeneDx Variant Classification Process June 2021. Collection method: clinical testing. Allele origin: germline.
Comment: In silico analysis supports that this missense variant has a deleterious effect on protein structure/function; Has not been previously published as pathogenic or benign to our knowledge

Labcorp Genetics (formerly Invitae), Labcorp
Classification: Uncertain significance for Combined oxidative phosphorylation defect type 17. Last evaluated: 2022-08-09. Review status: criteria provided, single submitter. Criteria: Invitae Variant Classification Sherloc (09022015). Collection method: clinical testing. Allele origin: germline.
Comment: This sequence change replaces lysine, which is basic and polar, with methionine, which is neutral and non-polar, at codon 384 of the ELAC2 protein (p.Lys384Met). This variant is present in population databases (rs752533400, gnomAD 0.04%). This variant has not been reported in the literature in individuals affected with ELAC2-related conditions. ClinVar contains an entry for this variant (Variation ID: 1377743). Algorithms developed to predict the effect of missense changes on protein structure and function are either unavailable or do not agree on the potential impact of this missense change (SIFT: "Deleterious"; PolyPhen-2: "Probably Damaging"; Align-GVGD: "Class C0"). In summary, the available evidence is currently insufficient to determine the role of this variant in disease. Therefore, it has been classified as a Variant of Uncertain Significance.